The following is an entry in ClinVar:

NM_000059.4(BRCA2):c.8015del (p.Ile2672fs)

Gene: BRCA2 (BRCA2 DNA repair associated; plus strand). Cytogenetic location: 13q13.1.
Variant type: Deletion.
Coding change: c.8015del on transcript NM_000059.4 (MANE Select); coding-DNA position 8015, one base deleted (T; older notation c.8015delT).
Protein change: p.Ile2672fs; shifts the reading frame from isoleucine 2672.
Molecular consequence: frameshift variant.
Genome position (GRCh38, 1-based): chr13:32,363,217, T deleted. VCF-style (leftmost placement, unchanged base first): chr13-32363216-AT-A. GRCh37 (hg19) VCF-style: chr13-32937353-AT-A.
Other names: short protein forms I2672fs.
Identifiers: ClinVar variation 1075839 (VCV001075839.4), dbSNP rs2137579971, ClinGen allele CA2499222319.

ClinVar aggregate classification (germline): Pathogenic (1 of 4 stars; one submission).

Conditions:
Hereditary breast ovarian cancer syndrome. Also called: Hereditary breast and ovarian cancer; Breast and ovarian cancer; BRCA1- and BRCA2-Associated Hereditary Breast and Ovarian Cancer; Hereditary breast and/or ovarian cancer syndrome; Hereditary breast and ovarian cancer syndrome; Hereditary breast and ovarian cancer syndrome (HBOC). Identifiers: Orphanet 145, MedGen C0677776, MeSH D061325, MONDO:0003582. Disease mechanism: loss of function.

Submission:

Labcorp Genetics (formerly Invitae), Labcorp
Classification: Pathogenic for Hereditary breast ovarian cancer syndrome. Last evaluated: 2020-05-21. Review status: criteria provided, single submitter. Criteria: Invitae Variant Classification Sherloc (09022015). Collection method: clinical testing. Allele origin: germline.
Comment: For these reasons, this variant has been classified as Pathogenic. Loss-of-function variants in BRCA2 are known to be pathogenic (PMID: 20104584). This variant has not been reported in the literature in individuals with BRCA2-related conditions. This variant is not present in population databases (ExAC no frequency). This sequence change creates a premature translational stop signal (p.Ile2672Lysfs*4) in the BRCA2 gene. It is expected to result in an absent or disrupted protein product.

Literature cited by the submitters: PubMed 20104584.